The following is an entry in ClinVar:

ClinVar aggregate classification (germline): Uncertain significance. Review status: criteria provided, multiple submitters, no conflicts (2 of 4 stars). 2 submissions from 2 submitters: Uncertain significance (2). Last evaluated 2021-11-04.

Conditions:
Inborn genetic diseases. Identifiers: MedGen C0950123, MeSH D030342.
Congenital myasthenic syndrome 8. Also called: MYASTHENIC SYNDROME, CONGENITAL, DUE TO AGRIN DEFICIENCY; Myasthenic syndrome, congenital, 8, with pre- and postsynaptic defects. Identifiers: Orphanet 590, MedGen C3808739, MONDO:0014052, OMIM 615120.

Allele frequency attached by ClinVar (database versions not stated): gnomAD exomes 0.00003 and 0.00006; ExAC 0.00006; gnomAD 0.00006; TOPMed 0.00006; ESP Exome Variant Server 0.00008.
gnomAD v4.1: 92 of 1,601,158 alleles (0.0057%); highest among the groups gnomAD compares: Non-Finnish European, 0.007%; no homozygotes.

Submissions (2):

Labcorp Genetics (formerly Invitae), Labcorp
Classification: Uncertain significance for Congenital myasthenic syndrome 8. Last evaluated: 2021-11-04. Review status: criteria provided, single submitter. Criteria: Invitae Variant Classification Sherloc (09022015). Collection method: clinical testing. Allele origin: germline.
Comment: This sequence change replaces glutamic acid, which is acidic and polar, with lysine, which is basic and polar, at codon 577 of the AGRN protein (p.Glu577Lys). This variant is present in population databases (rs370516291, gnomAD 0.006%). This variant has not been reported in the literature in individuals affected with AGRN-related conditions. Algorithms developed to predict the effect of missense changes on protein structure and function are either unavailable or do not agree on the potential impact of this missense change (SIFT: "Deleterious"; PolyPhen-2: "Possibly Damaging"; Align-GVGD: "Class C0"). In summary, the available evidence is currently insufficient to determine the role of this variant in disease. Therefore, it has been classified as a Variant of Uncertain Significance.

Ambry Genetics
Classification: Uncertain significance for Inborn genetic diseases. Last evaluated: 2021-09-01. Review status: criteria provided, single submitter. Criteria: Ambry Variant Classification Scheme 2023. Collection method: clinical testing. Allele origin: germline.

NM_198576.4(AGRN):c.1729G>A (p.Glu577Lys)

Gene: AGRN (agrin; plus strand). Cytogenetic location: 1p36.33.
Variant type: single nucleotide variant.
Coding change: c.1729G>A on transcript NM_198576.4 (MANE Select); coding-DNA position 1729, G replaced by A.
Protein change: p.Glu577Lys; replaces glutamic acid 577 with lysine.
Molecular consequence: missense variant.
Genome position (GRCh38, 1-based): chr1:1,043,663, G>A. VCF-style: chr1-1043663-G-A. GRCh37 (hg19) VCF-style: chr1-979043-G-A.
Other names: c.1729G>A, p.Glu577Lys (NM_001305275.2); c.1414G>A, p.Glu472Lys (NM_001364727.2); c.1729G>A (NM_198576.3); short protein forms E472K, E577K.
Identifiers: ClinVar variation 1366863 (VCV001366863.5), dbSNP rs370516291, ClinGen allele CA508308.